The following is an entry in ClinVar:

NM_004614.5(TK2):c.195A>G (p.Thr65=)

Gene: TK2 (thymidine kinase 2; minus strand). Cytogenetic location: 16q21.
Variant type: single nucleotide variant.
Coding change: c.195A>G on transcript NM_004614.5 (MANE Select); coding-DNA position 195, A replaced by G.
Protein change: p.Thr65=; no amino-acid change (threonine 65 retained).
Molecular consequence: synonymous variant. On other transcripts: 5 prime UTR variant (1), non-coding transcript variant (1), intron variant (1).
Genome position (GRCh38, 1-based): chr16:66,541,915, T>C on the plus strand (A>G on the coding strand, the complement: TK2 is on the minus strand). VCF-style: chr16-66541915-T-C. GRCh37 (hg19) VCF-style: chr16-66575818-T-C.
Other names: c.102A>G, p.Thr34= (NM_001172643.1, NM_001271935.1); c.195A>G, p.Thr65= (NM_001172645.2); c.48A>G, p.Thr16= (NM_001271934.2); c.-97A>G (NM_001272050.2); c.157-4898A>G (NM_001172644.2); c.195A>G (NM_004614.4).
Identifiers: ClinVar variation 1366546 (VCV001366546.9), dbSNP rs1398086838, ClinGen allele CA495909657.

ClinVar aggregate classification (germline): Likely benign. Review status: criteria provided, single submitter (1 of 4 stars). 2 submissions from 2 submitters: Likely benign (1). 1 of the submissions does not count toward it. Last evaluated 2025-11-12.

Conditions:
TK2-related disorder. Also called: TK2-related condition.

Allele frequency attached by ClinVar (database versions not stated): gnomAD exomes below 0.00001; gnomAD 0.00001; TOPMed 0.00001.
gnomAD v4.1: 9 of 1,614,016 alleles (0.00056%); highest among the groups gnomAD compares: African/African-American, 0.0013%; 1 homozygote.

Submissions (2):

Labcorp Genetics (formerly Invitae), Labcorp
Classification: Likely benign. Last evaluated: 2025-11-12. Review status: criteria provided, single submitter. Criteria: Invitae Variant Classification Sherloc (09022015). Collection method: clinical testing. Allele origin: germline.

PreventionGenetics, part of Exact Sciences
Classification: Likely benign for TK2-related condition. Last evaluated: 2019-07-30. Review status: no assertion criteria provided. Collection method: clinical testing. Allele origin: germline. Not counted in ClinVar's aggregate classification.
Comment: This variant is classified as likely benign based on ACMG/AMP sequence variant interpretation guidelines (Richards et al. 2015 PMID: 25741868, with internal and published modifications).